The following is an entry in ClinVar:

NM_024675.4(PALB2):c.719C>G (p.Pro240Arg)

Gene: PALB2 (partner and localizer of BRCA2; minus strand). Cytogenetic location: 16p12.2.
Variant type: single nucleotide variant.
Coding change: c.719C>G on transcript NM_024675.4 (MANE Select); coding-DNA position 719, C replaced by G.
Protein change: p.Pro240Arg; replaces proline 240 with arginine.
Molecular consequence: missense variant.
Genome position (GRCh38, 1-based): chr16:23,635,827, G>C on the plus strand (C>G on the coding strand, the complement: PALB2 is on the minus strand). VCF-style: chr16-23635827-G-C. GRCh37 (hg19) VCF-style: chr16-23647148-G-C.
Other names: short protein forms P240R.
Identifiers: ClinVar variation 1401410 (VCV001401410.9), dbSNP rs1466115155, ClinGen allele CA395136305.

ClinVar aggregate classification (germline): Uncertain significance (1 of 4 stars; one submission).

Conditions:
Familial cancer of breast. Also called: hereditary breast carcinoma; Hereditary breast cancer; BREAST CANCER, FAMILIAL. Identifiers: Orphanet 227535, MedGen C0346153, MONDO:0016419, OMIM 114480. Disease mechanism: loss of function.

gnomAD v4.1: 1 of 1,614,140 alleles (0.000062%); highest among the groups gnomAD compares: Non-Finnish European, 0.000085%; no homozygotes.

Submission:

Labcorp Genetics (formerly Invitae), Labcorp
Classification: Uncertain significance for Familial cancer of breast. Last evaluated: 2021-04-23. Review status: criteria provided, single submitter. Criteria: Invitae Variant Classification Sherloc (09022015). Collection method: clinical testing. Allele origin: germline.
Comment: This sequence change replaces proline with arginine at codon 240 of the PALB2 protein (p.Pro240Arg). The proline residue is weakly conserved and there is a moderate physicochemical difference between proline and arginine. In summary, the available evidence is currently insufficient to determine the role of this variant in disease. Therefore, it has been classified as a Variant of Uncertain Significance. Algorithms developed to predict the effect of sequence changes on RNA splicing suggest that this variant may create or strengthen a splice site, but this prediction has not been confirmed by published transcriptional studies. Algorithms developed to predict the effect of missense changes on protein structure and function (SIFT, PolyPhen-2, Align-GVGD) all suggest that this variant is likely to be tolerated, but these predictions have not been confirmed by published functional studies and their clinical significance is uncertain. This variant has not been reported in the literature in individuals with PALB2-related conditions. This variant is not present in population databases (ExAC no frequency).